The following is an entry in ClinVar:

GRCh37/hg19 5p15.33-15.1(chr5:113577-17654787)x1

Genes: ADAMTS16 (ADAM metallopeptidase with thrombospondin type 1 motif 16; plus strand), ADCY2 (adenylate cyclase 2; plus strand), AHRR (aryl hydrocarbon receptor repressor; plus strand), ANKH (ANKH inorganic pyrophosphate transport regulator; minus strand), ANKRD33B (ankyrin repeat domain 33B; plus strand) and 58 more. Cytogenetic location: 5p15.33-15.1.
Variant type: copy number loss.
Change: copy number 1 (one copy instead of two) of chr5:113,577-17,654,787 (17.54 Mb, GRCh37 coordinates, 1-based), cytogenetic band 5p15.33-15.1.
Identifiers: ClinVar variation 1808602 (VCV001808602.1).

ClinVar aggregate classification (germline): Pathogenic (1 of 4 stars; one submission).

Submission:

Quest Diagnostics Nichols Institute San Juan Capistrano
Classification: Pathogenic. Last evaluated: 2022-03-22. Review status: criteria provided, single submitter. Criteria: ACMG/ClinGen CNV Guidelines, 2019. Collection method: clinical testing. Allele origin: unknown.
Comment: This terminal deletion of 5p is consistent with the clinical diagnosis of Cri-du-chat syndrome (OMIM 123450). The main clinical features include a distinctive high-pitched cry, characteristic facial dysmorphism, slow growth, microcephaly, and intellectual disability. The severity of the phenotype varies, and there is some correlation between clinical features and the size of the deletion (GeneReviews)